The following is an entry in ClinVar:

NM_000059.4(BRCA2):c.4561C>G (p.Leu1521Val)

Gene: BRCA2 (BRCA2 DNA repair associated; plus strand). Cytogenetic location: 13q13.1.
Variant type: single nucleotide variant.
Coding change: c.4561C>G on transcript NM_000059.4 (MANE Select); coding-DNA position 4561, C replaced by G.
Protein change: p.Leu1521Val; replaces leucine 1521 with valine.
Molecular consequence: missense variant.
Genome position (GRCh38, 1-based): chr13:32,338,916, C>G. VCF-style: chr13-32338916-C-G. GRCh37 (hg19) VCF-style: chr13-32913053-C-G.
Other names: c.4561C>G, p.Leu1521Val (NM_001406719.1, NM_001406720.1); short protein forms L1521V.
Identifiers: ClinVar variation 1718212 (VCV001718212.8), dbSNP rs370723514, ClinGen allele CA387781828.

ClinVar aggregate classification (germline): Conflicting classifications of pathogenicity. Review status: criteria provided, conflicting classifications (1 of 4 stars). 3 submissions from 3 submitters: Uncertain significance (2); Likely benign (1). Last evaluated 2023-06-15.

Conditions:
Hereditary breast ovarian cancer syndrome. Also called: Breast and ovarian cancer; Hereditary breast and ovarian cancer syndrome; Hereditary breast and ovarian cancer syndrome (HBOC); Hereditary breast and/or ovarian cancer syndrome; Hereditary breast and ovarian cancer; BRCA1- and BRCA2-Associated Hereditary Breast and Ovarian Cancer. Identifiers: Orphanet 145, MedGen C0677776, MeSH D061325, MONDO:0003582. Disease mechanism: loss of function.
Hereditary cancer-predisposing syndrome. Also called: Hereditary neoplastic syndrome; Tumor predisposition; Neoplastic Syndromes, Hereditary; Hereditary Cancer Syndrome. Identifiers: Orphanet 140162, MedGen C0027672, MeSH D009386, MONDO:0015356.
Breast-ovarian cancer, familial, susceptibility to, 2 (BROVCA2). Also called: BRCA2 Hereditary Breast and Ovarian Cancer. Identifiers: Orphanet 145, MedGen C2675520, MONDO:0012933, OMIM 612555. Disease mechanism: loss of function.

Submissions (3):

All of Us Research Program, National Institutes of Health
Classification: Uncertain significance for Breast-ovarian cancer, familial, susceptibility to, 2. Last evaluated: 2023-06-15. Review status: criteria provided, single submitter. Criteria: ACMG Guidelines, 2015. Collection method: clinical testing. Allele origin: germline. Inheritance: Autosomal dominant inheritance. Observed: 1 variant allele, 1 heterozygote.
Comment: This missense variant replaces leucine with valine at codon 1521 of the BRCA2 protein. Computational prediction suggests that this variant may not impact protein structure and function (internally defined REVEL score threshold <= 0.5, PMID: 27666373). To our knowledge, functional studies have not been reported for this variant. This variant has not been reported in individuals affected with hereditary cancer in the literature. This variant has not been identified in the general population by the Genome Aggregation Database (gnomAD). The available evidence is insufficient to determine the role of this variant in disease conclusively. Therefore, this variant is classified as a Variant of Uncertain Significance.

This study involves interpretation of variants in research participants for the purpose of population health screening. Participant phenotype was not available at the time of variant classification. Additional details can be found in publication PMID: 35346344, PMCID: PMC8962531

University of Washington Department of Laboratory Medicine, University of Washington
Classification: Likely benign for Hereditary cancer-predisposing syndrome. Last evaluated: 2023-03-23. Review status: criteria provided, single submitter. Criteria: Dines et al. (Genet Med. 2020). Collection method: curation. Allele origin: germline.
Comment: Missense variant in a coldspot region where missense variants are very unlikely to be pathogenic (PMID:31911673).

BRCA2 exon 11 coldspot. Reclassification based on statistical prior probability.

Labcorp Genetics (formerly Invitae), Labcorp
Classification: Uncertain significance for Hereditary breast ovarian cancer syndrome. Last evaluated: 2022-08-28. Review status: criteria provided, single submitter. Criteria: Invitae Variant Classification Sherloc (09022015). Collection method: clinical testing. Allele origin: germline.
Comment: This variant is not present in population databases (gnomAD no frequency). This sequence change replaces leucine, which is neutral and non-polar, with valine, which is neutral and non-polar, at codon 1521 of the BRCA2 protein (p.Leu1521Val). This variant has not been reported in the literature in individuals affected with BRCA2-related conditions. Advanced modeling of protein sequence and biophysical properties (such as structural, functional, and spatial information, amino acid conservation, physicochemical variation, residue mobility, and thermodynamic stability) performed at Invitae indicates that this missense variant is not expected to disrupt BRCA2 protein function. In summary, the available evidence is currently insufficient to determine the role of this variant in disease. Therefore, it has been classified as a Variant of Uncertain Significance.